The following is an entry in ClinVar:

NM_003238.6(TGFB2):c.252dup (p.Arg85fs)

Gene: TGFB2 (transforming growth factor beta 2; plus strand). Cytogenetic location: 1q41.
Variant type: Duplication.
Coding change: c.252dup on transcript NM_003238.6 (MANE Select); coding-DNA position 252, one base duplicated (G; older notation c.252dupG).
Protein change: p.Arg85fs; shifts the reading frame from arginine 85.
Molecular consequence: frameshift variant. On other transcripts: non-coding transcript variant (2).
Genome position (GRCh38, 1-based): chr1:218,346,953, G duplicated; the last of 2 consecutive G bases (chr1:218,346,952-218,346,953); duplicating either gives the same sequence. VCF-style (leftmost placement, unchanged base first): chr1-218346951-C-CG. GRCh37 (hg19) VCF-style: chr1-218520293-C-CG.
Other names: c.252dup, p.Arg85fs (NM_001135599.4); short protein forms R85fs.
Identifiers: ClinVar variation 408427 (VCV000408427.10), dbSNP rs1553292112, ClinGen allele CA16610008.

ClinVar aggregate classification (germline): Pathogenic (1 of 4 stars; one submission).

Conditions:
Loeys-Dietz syndrome 4 (LDS4). Also called: ANEURYSM, AORTIC AND CEREBRAL, WITH ARTERIAL TORTUOSITY AND SKELETAL MANIFESTATIONS; TGFB2-Related Loeys-Dietz Syndrome. Identifiers: MedGen C3553762, MONDO:0013897, OMIM 614816.

Submission:

Labcorp Genetics (formerly Invitae), Labcorp
Classification: Pathogenic for Loeys-Dietz syndrome 4. Last evaluated: 2023-05-17. Review status: criteria provided, single submitter. Criteria: Invitae Variant Classification Sherloc (09022015). Collection method: clinical testing. Allele origin: germline.
Comment: ClinVar contains an entry for this variant (Variation ID: 408427). For these reasons, this variant has been classified as Pathogenic. This variant has not been reported in the literature in individuals affected with TGFB2-related conditions. This variant is not present in population databases (gnomAD no frequency). This sequence change creates a premature translational stop signal (p.Arg85Glufs*49) in the TGFB2 gene. It is expected to result in an absent or disrupted protein product. Loss-of-function variants in TGFB2 are known to be pathogenic (PMID: 22772368, 22772371, 30739908).

Literature cited by the submitters: PubMed 22772368; PubMed 22772371; PubMed 30739908.